The following is an entry in ClinVar:

ClinVar aggregate classification (germline): Uncertain significance (1 of 4 stars; one submission).

Submission:

Labcorp Genetics (formerly Invitae), Labcorp
Classification: Uncertain significance. Last evaluated: 2022-09-27. Review status: criteria provided, single submitter. Criteria: Invitae Variant Classification Sherloc (09022015). Collection method: clinical testing. Allele origin: germline.
Comment: This variant, c.1556_1558del, results in the deletion of 1 amino acid(s) of the CNGB3 protein (p.Ile519del), but otherwise preserves the integrity of the reading frame. This variant is not present in population databases (gnomAD no frequency). This variant has not been reported in the literature in individuals affected with CNGB3-related conditions. Experimental studies and prediction algorithms are not available or were not evaluated, and the functional significance of this variant is currently unknown. In summary, the available evidence is currently insufficient to determine the role of this variant in disease. Therefore, it has been classified as a Variant of Uncertain Significance.

NM_019098.5(CNGB3):c.1553TCA[1] (p.Ile519del)

Gene: CNGB3 (cyclic nucleotide gated channel subunit beta 3; minus strand). Cytogenetic location: 8q21.3.
Variant type: Microsatellite.
Coding change: c.1553TCA[1] on transcript NM_019098.5 (MANE Select); one copy of the 3-base unit TCA starting at c.1553; the reference has two copies in a row; one copy, 3 bases deleted.
Protein change: p.Ile519del; deletes isoleucine 519.
Molecular consequence: inframe deletion.
Genome position (GRCh38, 1-based): chr8:86,626,003-86,626,005, TGA deleted on the plus strand (TCA on the coding strand, the reverse complement: CNGB3 is on the minus strand); deleting any 3 consecutive bases within chr8:86,626,003-86,626,010 gives the same sequence; the position shown is the placement nearest the transcript's 3' end. VCF-style (leftmost placement, unchanged base first): chr8-86626002-CTGA-C. GRCh37 (hg19) VCF-style: chr8-87638230-CTGA-C.
Other names: short protein forms I519del.
Identifiers: ClinVar variation 1405911 (VCV001405911.5), dbSNP rs1822838761, ClinGen allele CA1116211591.